The following is an entry in ClinVar:

NM_000038.6(APC):c.3847G>C (p.Ala1283Pro)

Gene: APC (APC regulator of Wnt signaling pathway; plus strand). Cytogenetic location: 5q22.2.
Variant type: single nucleotide variant.
Coding change: c.3847G>C on transcript NM_000038.6 (MANE Select); coding-DNA position 3847, G replaced by C.
Protein change: p.Ala1283Pro; replaces alanine 1283 with proline.
Molecular consequence: missense variant.
Genome position (GRCh38, 1-based): chr5:112,839,441, G>C. VCF-style: chr5-112839441-G-C. GRCh37 (hg19) VCF-style: chr5-112175138-G-C.
Other names: c.3847G>C, p.Ala1283Pro (NM_001127510.3, NM_001354895.2); c.3793G>C, p.Ala1265Pro (NM_001127511.3); c.3901G>C, p.Ala1301Pro (NM_001354896.2); c.3877G>C, p.Ala1293Pro (NM_001354897.2); c.3772G>C, p.Ala1258Pro (NM_001354898.2); c.3763G>C, p.Ala1255Pro (NM_001354899.2); c.3724G>C, p.Ala1242Pro (NM_001354900.2); c.3670G>C, p.Ala1224Pro (NM_001354901.2); and 5 more; short protein forms A1265P, A1283P, A1301P, A1000P, A1157P, A1192P, A1242P, A1258P.
Identifiers: ClinVar variation 490270 (VCV000490270.9), dbSNP rs1428789824, ClinGen allele CA16029770.

ClinVar aggregate classification (germline): Uncertain significance. Review status: criteria provided, multiple submitters, no conflicts (2 of 4 stars). 3 submissions from 3 submitters: Uncertain significance (3). Last evaluated 2025-02-06.

Conditions:
Hereditary cancer-predisposing syndrome. Also called: Hereditary Cancer Syndrome; Neoplastic Syndromes, Hereditary; Tumor predisposition; Hereditary neoplastic syndrome. Identifiers: Orphanet 140162, MedGen C0027672, MeSH D009386, MONDO:0015356.
Familial adenomatous polyposis 1 (FAP1). Also called: POLYPOSIS, ADENOMATOUS INTESTINAL; FAMILIAL ADENOMATOUS POLYPOSIS 1, ATTENUATED. Identifiers: MedGen C2713442, MONDO:0021056, OMIM 175100. Disease mechanism: loss of function.

Allele frequency attached by ClinVar (database versions not stated): gnomAD exomes below 0.00001.
gnomAD v4.1: 1 of 1,614,116 alleles (0.000062%); highest among the groups gnomAD compares: Non-Finnish European, 0.000085%; no homozygotes.

Submissions (3):

Ambry Genetics
Classification: Uncertain significance for Hereditary cancer-predisposing syndrome. Last evaluated: 2025-02-06. Review status: criteria provided, single submitter. Criteria: Ambry Variant Classification Scheme 2023. Collection method: clinical testing. Allele origin: germline.
Comment: The p.A1283P variant (also known as c.3847G>C), located in coding exon 15 of the APC gene, results from a G to C substitution at nucleotide position 3847. The alanine at codon 1283 is replaced by proline, an amino acid with highly similar properties. This amino acid position is well conserved in available vertebrate species. In addition, in silico predictors for this gene do not accurately predict pathogenicity. Missense alterations in APC are not a common cause of disease (Spier I et al. Genet Med. 2024 Feb;26(2):100992). Based on the available evidence, the clinical significance of this variant remains unclear.

Labcorp Genetics (formerly Invitae), Labcorp
Classification: Uncertain significance for Familial adenomatous polyposis 1. Last evaluated: 2024-05-18. Review status: criteria provided, single submitter. Criteria: Invitae Variant Classification Sherloc (09022015). Collection method: clinical testing. Allele origin: germline.
Comment: This sequence change replaces alanine, which is neutral and non-polar, with proline, which is neutral and non-polar, at codon 1283 of the APC protein (p.Ala1283Pro). This variant is not present in population databases (gnomAD no frequency). This variant has not been reported in the literature in individuals affected with APC-related conditions. ClinVar contains an entry for this variant (Variation ID: 490270). Advanced modeling of protein sequence and biophysical properties (such as structural, functional, and spatial information, amino acid conservation, physicochemical variation, residue mobility, and thermodynamic stability) performed at Invitae indicates that this missense variant is not expected to disrupt APC protein function with a negative predictive value of 95%. In summary, the available evidence is currently insufficient to determine the role of this variant in disease. Therefore, it has been classified as a Variant of Uncertain Significance.

Color Diagnostics, LLC DBA Color Health
Classification: Uncertain significance for Hereditary cancer-predisposing syndrome. Last evaluated: 2019-06-03. Review status: criteria provided, single submitter. Criteria: ACMG Guidelines, 2015. Collection method: clinical testing. Allele origin: germline.